The following is an entry in ClinVar:

NM_005633.4(SOS1):c.382G>A (p.Val128Ile)

Gene: SOS1 (SOS Ras/Rac guanine nucleotide exchange factor 1; minus strand). Cytogenetic location: 2p22.1.
Variant type: single nucleotide variant.
Coding change: c.382G>A on transcript NM_005633.4 (MANE Select); coding-DNA position 382, G replaced by A.
Protein change: p.Val128Ile; replaces valine 128 with isoleucine.
Molecular consequence: missense variant.
Genome position (GRCh38, 1-based): chr2:39,056,830, C>T on the plus strand (G>A on the coding strand, the complement: SOS1 is on the minus strand). VCF-style: chr2-39056830-C-T. GRCh37 (hg19) VCF-style: chr2-39283971-C-T.
Other names: c.361G>A, p.Val121Ile (NM_001382394.1); c.382G>A, p.Val128Ile (NM_001382395.1); short protein forms V121I, V128I.
Identifiers: ClinVar variation 966472 (VCV000966472.13), dbSNP rs752402979, ClinGen allele CA1624797.

ClinVar aggregate classification (germline): Conflicting classifications of pathogenicity. Review status: criteria provided, conflicting classifications (1 of 4 stars). 6 submissions from 5 submitters: Uncertain significance (5); Likely benign (1). Last evaluated 2026-01-25.

Conditions:
Fibromatosis, gingival, 1 (GINGF1). Identifiers: Orphanet 2024, MedGen C4551558, MONDO:0007609, OMIM 135300.
Noonan syndrome 4 (NS4). Also called: NOONAN SYNDROME WITH PIGMENTED VILLONODULAR SYNOVITIS; SOS1-Related Noonan Syndrome. Identifiers: Orphanet 648, MedGen C1853120, MONDO:0012547, OMIM 610733.
Cardiovascular phenotype. Identifiers: MedGen CN230736.
RASopathy. Also called: rasopathies; Noonan spectrum disorder. Identifiers: Orphanet 536391, MedGen C5555857, MONDO:0021060.
SOS1-related disorder. Also called: SOS1-related condition.

Allele frequency attached by ClinVar (database versions not stated): ExAC 0.00002; gnomAD exomes 0.00002 and 0.00010; gnomAD 0.00003 and 0.00004; TOPMed 0.00003.

Submissions (6):

Labcorp Genetics (formerly Invitae), Labcorp
Classification: Likely benign for RASopathy. Last evaluated: 2026-01-25. Review status: criteria provided, single submitter. Criteria: Invitae Variant Classification Sherloc (09022015). Collection method: clinical testing. Allele origin: germline.

PreventionGenetics, part of Exact Sciences
Classification: Uncertain significance for SOS1-related condition. Last evaluated: 2025-12-18. Review status: criteria provided, single submitter. Criteria: ACMG Guidelines, 2015. Collection method: clinical testing. Allele origin: germline.
Comment: The SOS1 c.382G>A variant is predicted to result in the amino acid substitution p.Val128Ile. To our knowledge, this variant has not been reported in the literature. This variant is reported in 0.0040% of alleles in individuals of African descent in gnomAD. At this time, the clinical significance of this variant is uncertain due to the absence of conclusive functional and genetic evidence.

Ambry Genetics
Classification: Uncertain significance for Cardiovascular phenotype. Last evaluated: 2024-08-22. Review status: criteria provided, single submitter. Criteria: Ambry Variant Classification Scheme 2023. Collection method: clinical testing. Allele origin: germline.
Comment: The p.V128I variant (also known as c.382G>A), located in coding exon 4 of the SOS1 gene, results from a G to A substitution at nucleotide position 382. The valine at codon 128 is replaced by isoleucine, an amino acid with highly similar properties. This amino acid position is not well conserved in available vertebrate species. In addition, this alteration is predicted to be tolerated by in silico analysis. Based on the available evidence, the clinical significance of this variant remains unclear.

Fulgent Genetics
Classification: Uncertain significance for Fibromatosis, gingival, 1; Noonan syndrome 4. Last evaluated: 2021-08-06. Review status: criteria provided, single submitter. Criteria: ACMG Guidelines, 2015. Collection method: clinical testing. Allele origin: unknown.

Genome-Nilou Lab
Classification: Uncertain significance for Noonan syndrome 4. Review status: criteria provided, single submitter. Criteria: ACMG Guidelines, 2015. Collection method: clinical testing. Allele origin: germline.

Genome-Nilou Lab
Classification: Uncertain significance for Fibromatosis, gingival, 1. Review status: criteria provided, single submitter. Criteria: ACMG Guidelines, 2015. Collection method: clinical testing. Allele origin: germline.